The following is an entry in ClinVar:

ClinVar aggregate classification (germline): Uncertain significance (1 of 4 stars; one submission).

Conditions:
Neuropathy, hereditary sensory and autonomic, type 2A (HSAN2A). Also called: ACROOSTEOLYSIS, GIACCAI TYPE; ACROOSTEOLYSIS, NEUROGENIC; MORVAN DISEASE; NEUROPATHY, CONGENITAL SENSORY; NEUROPATHY, HEREDITARY SENSORY RADICULAR, AUTOSOMAL RECESSIVE; NEUROPATHY, HEREDITARY SENSORY, TYPE IIA. Identifiers: Orphanet 970, MedGen C2752089, MONDO:0024309, OMIM 201300.
Pseudohypoaldosteronism type 2C (PHA2C). Also called: Pseudohypoaldosteronism Type IIC. Identifiers: Orphanet 757, Orphanet 88940, MedGen C1840391, MONDO:0013778, OMIM 614492.

Allele frequency attached by ClinVar (database versions not stated): gnomAD exomes below 0.00001; gnomAD 0.00001.
gnomAD v4.1: 3 of 1,600,184 alleles (0.00019%); highest among the groups gnomAD compares: African/African-American, 0.004%; no homozygotes.

Submission:

Labcorp Genetics (formerly Invitae), Labcorp
Classification: Uncertain significance for Neuropathy, hereditary sensory and autonomic, type 2A; Pseudohypoaldosteronism type 2C. Last evaluated: 2023-01-21. Review status: criteria provided, single submitter. Criteria: Invitae Variant Classification Sherloc (09022015). Collection method: clinical testing. Allele origin: germline.
Comment: This sequence change replaces valine, which is neutral and non-polar, with glutamic acid, which is acidic and polar, at codon 125 of the WNK1 protein (p.Val125Glu). This variant is not present in population databases (gnomAD no frequency). In summary, the available evidence is currently insufficient to determine the role of this variant in disease. Therefore, it has been classified as a Variant of Uncertain Significance. Advanced modeling of protein sequence and biophysical properties (such as structural, functional, and spatial information, amino acid conservation, physicochemical variation, residue mobility, and thermodynamic stability) performed at Invitae indicates that this missense variant is not expected to disrupt WNK1 protein function. This variant has not been reported in the literature in individuals affected with WNK1-related conditions.

NM_018979.4(WNK1):c.374T>A (p.Val125Glu)

Gene: WNK1 (WNK lysine deficient protein kinase 1; plus strand). Cytogenetic location: 12p13.33.
Variant type: single nucleotide variant.
Coding change: c.374T>A on transcript NM_018979.4 (MANE Select); coding-DNA position 374, T replaced by A.
Protein change: p.Val125Glu; replaces valine 125 with glutamic acid.
Molecular consequence: missense variant.
Genome position (GRCh38, 1-based): chr12:753,939, T>A. VCF-style: chr12-753939-T-A. GRCh37 (hg19) VCF-style: chr12-863105-T-A.
Other names: c.374T>A, p.Val125Glu (NM_001184985.2, NM_014823.3, NM_213655.5); short protein forms V125E.
Identifiers: ClinVar variation 2939338 (VCV002939338.3), dbSNP rs924271543, ClinGen allele CA383306029.